The following is an entry in ClinVar:

NM_004385.5(VCAN):c.630C>T (p.Ile210=)

Gene: VCAN (versican; plus strand). Cytogenetic location: 5q14.2.
Variant type: single nucleotide variant.
Coding change: c.630C>T on transcript NM_004385.5 (MANE Select); coding-DNA position 630, C replaced by T.
Protein change: p.Ile210=; no amino-acid change (isoleucine 210 retained).
Molecular consequence: synonymous variant.
Genome position (GRCh38, 1-based): chr5:83,493,813, C>T. VCF-style: chr5-83493813-C-T. GRCh37 (hg19) VCF-style: chr5-82789632-C-T.
Other names: c.630C>T, p.Ile210= (NM_001126336.3, NM_001164097.2, NM_001164098.2).
Identifiers: ClinVar variation 903717 (VCV000903717.13), dbSNP rs538498172, ClinGen allele CA3332493.

ClinVar aggregate classification (germline): Benign/Likely benign. Review status: criteria provided, multiple submitters, no conflicts (2 of 4 stars). 4 submissions from 3 submitters: Benign (3); Likely benign (1). Last evaluated 2025-09-10.

Conditions:
Wagner disease. Also called: WAGNER VITREORETINAL DEGENERATION; Wagner Vitreoretinal Degeneration (Wagner Synrdome); Wagner syndrome; HYALOIDEORETINAL DEGENERATION OF WAGNER; WAGNER SYNDROME 1; WAGNER VITREORETINOPATHY. Identifiers: Orphanet 898, MedGen C1840452, MONDO:0007740, OMIM 143200.
Vitreoretinopathy. Also called: Vitreoretinal degeneration. Identifiers: MedGen C0344290, MONDO:0020248, HP:0007773.

Allele frequency attached by ClinVar (database versions not stated): gnomAD below 0.00001 and 0.00011; TOPMed 0.00001; gnomAD exomes 0.00017 and 0.00042; 1000 Genomes Project 0.00040; ExAC 0.00053; 1000 Genomes Project 30x 0.00078.
gnomAD v4.1: 268 of 1,614,124 alleles (0.017%); highest among the groups gnomAD compares: South Asian, 0.27%; 5 homozygotes.

Submissions (4):

Labcorp Genetics (formerly Invitae), Labcorp
Classification: Benign. Last evaluated: 2025-09-10. Review status: criteria provided, single submitter. Criteria: Invitae Variant Classification Sherloc (09022015). Collection method: clinical testing. Allele origin: germline.

Blueprint Genetics
Classification: Likely benign. Last evaluated: 2024-08-12. Review status: criteria provided, single submitter. Criteria: ACMG Guidelines, 2015. Collection method: clinical testing. Allele origin: germline.

Illumina Laboratory Services, Illumina
Classification: Benign for Vitreoretinopathy. Last evaluated: 2018-01-12. Review status: criteria provided, single submitter. Criteria: ICSL Variant Classification Criteria 13 December 2019. Collection method: clinical testing. Allele origin: germline.
Comment: This variant was observed in the ICSL laboratory as part of a predisposition screen in an ostensibly healthy population. It had not been previously curated by ICSL or reported in the Human Gene Mutation Database (HGMD: prior to June 1st, 2018), and was therefore a candidate for classification through an automated scoring system. Utilizing variant allele frequency, disease prevalence and penetrance estimates, and inheritance mode, an automated score was calculated to assess if this variant is too frequent to cause the disease. Based on the score and internal cut-off values, a variant classified as benign is not then subjected to further curation. The score for this variant resulted in a classification of benign for this disease.

Illumina Laboratory Services, Illumina
Classification: Benign for Wagner disease. Last evaluated: 2018-01-12. Review status: criteria provided, single submitter. Criteria: ICSL Variant Classification Criteria 13 December 2019. Collection method: clinical testing. Allele origin: germline.
Comment: the same text as in the submission from Illumina Laboratory Services, Illumina above.